The following is an entry in ClinVar:

ClinVar aggregate classification (germline): Uncertain significance (1 of 4 stars; one submission).

Conditions:
Symmetrical dyschromatosis of extremities (DSH). Also called: RETICULATE ACROPIGMENTATION OF DOHI; SYMMETRIC DYSCHROMATOSIS OF THE EXTREMITIES; Dyschromatosis symmetrica hereditaria; DYSCHROMATOSIS SYMMETRICA HEREDITARIA 1. Identifiers: Orphanet 41, MedGen C0406775, MONDO:0007483, OMIM 127400.
Aicardi-Goutieres syndrome 6 (AGS6). Identifiers: Orphanet 51, MedGen C3539013, MONDO:0014007, OMIM 615010.

Allele frequency attached by ClinVar (database versions not stated): gnomAD exomes 0.00001.
gnomAD v4.1: 7 of 1,613,882 alleles (0.00043%); highest among the groups gnomAD compares: Non-Finnish European, 0.00059%; no homozygotes.

Submission:

Labcorp Genetics (formerly Invitae), Labcorp
Classification: Uncertain significance for Aicardi-Goutieres syndrome 6; Symmetrical dyschromatosis of extremities. Last evaluated: 2024-01-03. Review status: criteria provided, single submitter. Criteria: Invitae Variant Classification Sherloc (09022015). Collection method: clinical testing. Allele origin: germline.
Comment: This sequence change replaces asparagine, which is neutral and polar, with serine, which is neutral and polar, at codon 1151 of the ADAR protein (p.Asn1151Ser). This variant is not present in population databases (gnomAD no frequency). This variant has not been reported in the literature in individuals affected with ADAR-related conditions. ClinVar contains an entry for this variant (Variation ID: 1978357). Advanced modeling of protein sequence and biophysical properties (such as structural, functional, and spatial information, amino acid conservation, physicochemical variation, residue mobility, and thermodynamic stability) performed at Invitae indicates that this missense variant is not expected to disrupt ADAR protein function with a negative predictive value of 80%. In summary, the available evidence is currently insufficient to determine the role of this variant in disease. Therefore, it has been classified as a Variant of Uncertain Significance.

NM_001111.5(ADAR):c.3452A>G (p.Asn1151Ser)

Gene: ADAR (adenosine deaminase RNA specific; minus strand). Cytogenetic location: 1q21.3.
Variant type: single nucleotide variant.
Coding change: c.3452A>G on transcript NM_001111.5 (MANE Select); coding-DNA position 3452, A replaced by G.
Protein change: p.Asn1151Ser; replaces asparagine 1151 with serine.
Molecular consequence: missense variant.
Genome position (GRCh38, 1-based): chr1:154,585,035, T>C on the plus strand (A>G on the coding strand, the complement: ADAR is on the minus strand). VCF-style: chr1-154585035-T-C. GRCh37 (hg19) VCF-style: chr1-154557511-T-C.
Other names: c.2567A>G, p.Asn856Ser (NM_001025107.3, NM_001193495.2, NM_001365046.1 and 2 more transcripts); c.3479A>G, p.Asn1160Ser (NM_001365045.1); c.2489A>G, p.Asn830Ser (NM_001365049.1); c.3374A>G, p.Asn1125Ser (NM_015840.4); c.3317A>G, p.Asn1106Ser (NM_015841.4); short protein forms N1106S, N856S, N1151S, N1125S, N1160S, N830S.
Identifiers: ClinVar variation 1978357 (VCV001978357.4), dbSNP rs1696656535, ClinGen allele CA342634928.